The following is an entry in ClinVar:

ClinVar aggregate classification (germline): Pathogenic (1 of 4 stars; one submission).

Conditions:
Pontocerebellar hypoplasia type 1B. Also called: EXOSC3 Pontocerebellar Hypoplasia. Identifiers: Orphanet 2254, MedGen C3553449, MONDO:0013853, OMIM 614678.

Submission:

Labcorp Genetics (formerly Invitae), Labcorp
Classification: Pathogenic for Pontocerebellar hypoplasia type 1B. Last evaluated: 2024-12-02. Review status: criteria provided, single submitter. Criteria: Invitae Variant Classification Sherloc (09022015). Collection method: clinical testing. Allele origin: germline.
Comment: This sequence change creates a premature translational stop signal (p.Trp101Glyfs*12) in the EXOSC3 gene. It is expected to result in an absent or disrupted protein product. Loss-of-function variants in EXOSC3 are known to be pathogenic (PMID: 22544365, 23284067, 24524299). This variant is not present in population databases (gnomAD no frequency). This variant has not been reported in the literature in individuals affected with EXOSC3-related conditions. ClinVar contains an entry for this variant (Variation ID: 1996188). For these reasons, this variant has been classified as Pathogenic.

Literature cited by the submitters: PubMed 22544365; PubMed 23284067; PubMed 24524299.

NM_016042.4(EXOSC3):c.301del (p.Trp101fs)

Gene: EXOSC3 (exosome component 3; minus strand). Cytogenetic location: 9p13.2.
Variant type: Deletion.
Coding change: c.301del on transcript NM_016042.4 (MANE Select); coding-DNA position 301, one base deleted (T; older notation c.301delT).
Protein change: p.Trp101fs; shifts the reading frame from tryptophan 101.
Molecular consequence: frameshift variant.
Genome position (GRCh38, 1-based): chr9:37,784,744, A deleted on the plus strand (T on the coding strand, the reverse complement: EXOSC3 is on the minus strand). VCF-style (leftmost placement, unchanged base first): chr9-37784743-CA-C. GRCh37 (hg19) VCF-style: chr9-37784740-CA-C.
Other names: c.301del, p.Trp101fs (NM_001002269.2); short protein forms W101fs.
Identifiers: ClinVar variation 1996188 (VCV001996188.4), dbSNP rs2489890955, ClinGen allele CA2580080516.